The following is an entry in ClinVar:

NM_001754.5(RUNX1):c.58+265G>A

Genes: RUNX1 (RUNX family transcription factor 1; minus strand), LOC130066606 (ATAC-STARR-seq lymphoblastoid active region 18416; plus strand). Cytogenetic location: 21q22.12.
Variant type: single nucleotide variant.
Coding change: c.58+265G>A on transcript NM_001754.5 (MANE Select); 265 bases into the intron after coding-DNA position 58, G replaced by A.
Molecular consequence: intron variant.
Genome position (GRCh38, 1-based): chr21:35,048,577, C>T on the plus strand (G>A on the coding strand, the complement: RUNX1 is on the minus strand). VCF-style: chr21-35048577-C-T. GRCh37 (hg19) VCF-style: chr21-36420874-C-T.
Other names: NC_000021.8:g.36420874C>T.
Identifiers: ClinVar variation 1180228 (VCV001180228.5), dbSNP rs73900787, ClinGen allele CA14902411.

ClinVar aggregate classification (germline): Benign. Review status: reviewed by expert panel (3 of 4 stars). 3 submissions from 3 submitters: Benign (1). 2 of the submissions do not count toward it. Last evaluated 2022-01-22.

Conditions:
Hereditary thrombocytopenia and hematologic cancer predisposition syndrome. Identifiers: Orphanet 71290, MedGen CN281654, MONDO:0011071.

Allele frequency attached by ClinVar (database versions not stated): TOPMed 0.04980; gnomAD 0.05102 and 0.05289; 1000 Genomes Project 30x 0.07370; 1000 Genomes Project 0.07408.
gnomAD v4.1: 8,033 of 152,302 alleles (5.3%); highest among the groups gnomAD compares: East Asian, 12%; 227 homozygotes.

Submissions (11):

ClinGen Myeloid Malignancy Variant Curation Expert Panel
Classification: Benign for Hereditary thrombocytopenia and hematologic cancer predisposition syndrome. Last evaluated: 2022-01-22. Review status: reviewed by expert panel. Criteria: ClinGen MyeloMalig ACMG Specifications v2. Collection method: curation. Allele origin: germline. Inheritance: Autosomal dominant inheritance.
Comment: Intronic variant with a MAF of 0.06181 (6.2%, 538/8704 alleles) in the African/African-American subpopulation of the gnomAD v2.1.1 cohort (≥ 0.0015 (0.15%)) (BA1). In addition, this variant is reported in 44 homozygotes in gnomAD v2.1.1 (BP2). Splice AI predicts no impact on splicing ≤ 0.20 (score: 0.00-0.06) (BP4). Intronic variants which SpliceAI ≤ 0.20 AND evolutionary conservation prediction algorithms predict the site as not conserved (phyloP100 way (GRCh38/hg38) ≤2.0). In summary, this variant meets criteria to be classified as benign. ACMG/AMP criteria applied, as specified by the Myeloid Malignancy Variant Curation Expert Panel for RUNX1: BA1, BP2, BP4 and BP7.

GeneDx
Classification: Benign. Last evaluated: 2019-04-29. Review status: criteria provided, single submitter. Criteria: GeneDx Variant Classification Process June 2021. Collection method: clinical testing. Allele origin: germline. Affected: yes. Not counted in ClinVar's aggregate classification.

Breakthrough Genomics
Classification: Benign. Review status: criteria provided, single submitter. Criteria: ACMG Guidelines, 2015. Collection method: not provided. Allele origin: germline. Inheritance: Autosomal dominant inheritance. Affected: yes. Not counted in ClinVar's aggregate classification.

Dr. Peter K. Rogan Lab, Western University
No classification provided (evidence only). Condition: Acute myeloid leukemia. Review status: no classification provided. Collection method: in vitro. Allele origin: not applicable. Functional consequence: retained intron. Not counted in ClinVar's aggregate classification.

Dr. Peter K. Rogan Lab, Western University
No classification provided (evidence only). Condition: Cervical cancer. Review status: no classification provided. Collection method: in vitro. Allele origin: not applicable. Functional consequence: retained intron. Not counted in ClinVar's aggregate classification.

Dr. Peter K. Rogan Lab, Western University
No classification provided (evidence only). Condition: Sarcoma. Review status: no classification provided. Collection method: in vitro. Allele origin: not applicable. Functional consequence: retained intron. Not counted in ClinVar's aggregate classification.

Dr. Peter K. Rogan Lab, Western University
No classification provided (evidence only). Condition: Sarcoma. Review status: no classification provided. Collection method: in vitro. Allele origin: not applicable. Functional consequence: retained intron. Not counted in ClinVar's aggregate classification.

Dr. Peter K. Rogan Lab, Western University
No classification provided (evidence only). Condition: Sarcoma. Review status: no classification provided. Collection method: in vitro. Allele origin: not applicable. Functional consequence: retained intron. Not counted in ClinVar's aggregate classification.

Dr. Peter K. Rogan Lab, Western University
No classification provided (evidence only). Condition: Gastric cancer. Review status: no classification provided. Collection method: in vitro. Allele origin: not applicable. Functional consequence: retained intron. Not counted in ClinVar's aggregate classification.

Dr. Peter K. Rogan Lab, Western University
No classification provided (evidence only). Condition: Gastric cancer. Review status: no classification provided. Collection method: in vitro. Allele origin: not applicable. Functional consequence: retained intron. Not counted in ClinVar's aggregate classification.

Dr. Peter K. Rogan Lab, Western University
No classification provided (evidence only). Condition: Malignant tumor of esophagus. Review status: no classification provided. Collection method: in vitro. Allele origin: not applicable. Functional consequence: retained intron. Not counted in ClinVar's aggregate classification.